The following is an entry in ClinVar:

ClinVar aggregate classification (germline): Uncertain significance (1 of 4 stars; one submission).

Conditions:
Congenital myasthenic syndrome 13 (CMS13). Also called: Myasthenic syndrome, congenital, with tubular aggregates 2; Myasthenic syndrome, congenital, 13, with tubular aggregates. Identifiers: Orphanet 353327, Orphanet 590, MedGen C3553645, MONDO:0013883, OMIM 614750.
DPAGT1-congenital disorder of glycosylation. Also called: CONGENITAL DISORDER OF GLYCOSYLATION, TYPE Ij; CDG Ij; DPAGT1-CDG. Identifiers: Orphanet 86309, MedGen C2931004, MONDO:0011964, OMIM 608093.

Submission:

Labcorp Genetics (formerly Invitae), Labcorp
Classification: Uncertain significance for Congenital myasthenic syndrome 13; DPAGT1-congenital disorder of glycosylation. Last evaluated: 2022-08-12. Review status: criteria provided, single submitter. Criteria: Invitae Variant Classification Sherloc (09022015). Collection method: clinical testing. Allele origin: germline.
Comment: In summary, the available evidence is currently insufficient to determine the role of this variant in disease. Therefore, it has been classified as a Variant of Uncertain Significance. Algorithms developed to predict the effect of missense changes on protein structure and function are either unavailable or do not agree on the potential impact of this missense change (SIFT: "Tolerated"; PolyPhen-2: "Possibly Damaging"; Align-GVGD: "Class C0"). This variant has not been reported in the literature in individuals affected with DPAGT1-related conditions. This variant is not present in population databases (gnomAD no frequency). This sequence change replaces serine, which is neutral and polar, with threonine, which is neutral and polar, at codon 198 of the DPAGT1 protein (p.Ser198Thr).

NM_001382.4(DPAGT1):c.592T>A (p.Ser198Thr)

Gene: DPAGT1 (dolichyl-phosphate N-acetylglucosaminephosphotransferase 1; minus strand). Cytogenetic location: 11q23.3.
Variant type: single nucleotide variant.
Coding change: c.592T>A on transcript NM_001382.4 (MANE Select); coding-DNA position 592, T replaced by A.
Protein change: p.Ser198Thr; replaces serine 198 with threonine.
Molecular consequence: missense variant.
Genome position (GRCh38, 1-based): chr11:119,100,313, A>T on the plus strand (T>A on the coding strand, the complement: DPAGT1 is on the minus strand). VCF-style: chr11-119100313-A-T. GRCh37 (hg19) VCF-style: chr11-118971023-A-T.
Other names: short protein forms S198T.
Identifiers: ClinVar variation 2016222 (VCV002016222.4), dbSNP rs2497516793, ClinGen allele CA382914234.